The following is an entry in ClinVar:

NM_006579.3(EBP):c.-74+3G>C

Gene: EBP (EBP cholestenol delta-isomerase; plus strand). Cytogenetic location: Xp11.23.
Variant type: single nucleotide variant.
Coding change: c.-74+3G>C on transcript NM_006579.3 (MANE Select); 3 bases into the intron after 74 bases upstream of the start codon, G replaced by C.
Molecular consequence: intron variant.
Genome position (GRCh38, 1-based): chrX:48,521,910, G>C. VCF-style: chrX-48521910-G-C. GRCh37 (hg19) VCF-style: chrX-48380298-G-C.
Other names: NC_000023.10:g.48380298G>C.
Identifiers: ClinVar variation 439635 (VCV000439635.16), dbSNP rs188270695, ClinGen allele CA329071636.

ClinVar aggregate classification (germline): Benign/Likely benign. Review status: criteria provided, multiple submitters, no conflicts (2 of 4 stars). 6 submissions from 6 submitters: Benign (2); Likely benign (2). 2 of the submissions do not count toward it. Last evaluated 2020-11-19.

Conditions:
Connective tissue disorder. Also called: Connective tissue disease. Identifiers: MedGen C0009782, MONDO:0003900.
Cleft palate. Identifiers: Orphanet 2014, MedGen C2981150, MONDO:0016064, HP:0000175.

Allele frequency attached by ClinVar (database versions not stated): TOPMed 0.00370; 1000 Genomes Project 0.00265; 1000 Genomes Project 30x 0.00291.

Submissions (9):

Genome Diagnostics Laboratory, The Hospital for Sick Children
Classification: Likely benign for Connective tissue disorder. Last evaluated: 2020-11-19. Review status: criteria provided, single submitter. Criteria: ACMG Guidelines, 2015. Collection method: clinical testing. Allele origin: germline.

Cambridge Genomics Laboratory, East Genomic Laboratory Hub, NHS Genomic Medicine Service
Classification: Benign for Cleft palate. Last evaluated: 2020-01-10. Review status: criteria provided, single submitter. Criteria: ACGS Best Practice Guidelines for Variant Classification in Rare Disease 2020. Collection method: clinical testing. Allele origin: germline. Affected: yes. Observed: 1 variant allele.

GeneDx
Classification: Benign. Last evaluated: 2017-08-02. Review status: criteria provided, single submitter. Criteria: GeneDx Variant Classification (06012015). Collection method: clinical testing. Allele origin: germline. Affected: yes.
Comment: This variant is considered likely benign or benign based on one or more of the following criteria: it is a conservative change, it occurs at a poorly conserved position in the protein, it is predicted to be benign by multiple in silico algorithms, and/or has population frequency not consistent with disease.

ARUP Laboratories, Molecular Genetics and Genomics, ARUP Laboratories
Classification: Likely benign. Last evaluated: 2017-04-28. Review status: criteria provided, single submitter. Criteria: ARUP Molecular Germline Variant Investigation Process. Collection method: clinical testing. Allele origin: germline.

Clinical Genetics DNA and cytogenetics Diagnostics Lab, Erasmus MC, Erasmus Medical Center
Classification: Likely benign. Review status: no assertion criteria provided. Collection method: clinical testing. Allele origin: germline. Affected: yes. Study: VKGL Data-share Consensus. Not counted in ClinVar's aggregate classification.

Dr. Peter K. Rogan Lab, Western University
No classification provided (evidence only). Condition: Uterine corpus endometrial carcinoma. Review status: no classification provided. Collection method: in vitro. Allele origin: not applicable. Functional consequence: retained intron. Not counted in ClinVar's aggregate classification.

Dr. Peter K. Rogan Lab, Western University
No classification provided (evidence only). Condition: Ovarian serous cystadenocarcinoma. Review status: no classification provided. Collection method: in vitro. Allele origin: not applicable. Functional consequence: retained intron. Not counted in ClinVar's aggregate classification.

Dr. Peter K. Rogan Lab, Western University
No classification provided (evidence only). Condition: Ovarian serous cystadenocarcinoma. Review status: no classification provided. Collection method: in vitro. Allele origin: not applicable. Functional consequence: retained intron. Not counted in ClinVar's aggregate classification.

Laboratory of Diagnostic Genome Analysis, Leiden University Medical Center (LUMC)
Classification: Likely benign. Review status: no assertion criteria provided. Collection method: clinical testing. Allele origin: germline. Affected: yes. Study: VKGL Data-share Consensus. Not counted in ClinVar's aggregate classification.